The following is an entry in ClinVar:

NM_007074.4(CORO1A):c.1124C>G (p.Thr375Arg)

Gene: CORO1A (coronin 1A; plus strand). Cytogenetic location: 16p11.2.
Variant type: single nucleotide variant.
Coding change: c.1124C>G on transcript NM_007074.4 (MANE Select); coding-DNA position 1124, C replaced by G.
Protein change: p.Thr375Arg; replaces threonine 375 with arginine.
Molecular consequence: missense variant.
Genome position (GRCh38, 1-based): chr16:30,188,419, C>G. VCF-style: chr16-30188419-C-G. GRCh37 (hg19) VCF-style: chr16-30199740-C-G.
Other names: c.1124C>G, p.Thr375Arg (NM_001193333.3); short protein forms T375R.
Identifiers: ClinVar variation 2107013 (VCV002107013.4), dbSNP rs771057764, ClinGen allele CA395498826.
Genomic context (GRCh38, chr16:30,188,419, plus strand): 5'-AGTCGGACCTGTTCCAGGAGGACCTGTACCCACCCACCGCAGGGCCCGACCCTGCCCTCA[C>G]GGCTGAGGAGTGGCTGGGGGGTCGGGATGCTGGGCCCCTCCTCATCTCCCTCAAGGATGG-3'
Protein context (NP_009005.1, residues 365-385): PPTAGPDPAL[Thr375Arg]AEEWLGGRDA

ClinVar aggregate classification (germline): Uncertain significance (1 of 4 stars; one submission).

Conditions:
Severe combined immunodeficiency due to CORO1A deficiency. Also called: IMMUNODEFICIENCY 8 WITH LYMPHOPROLIFERATION; Immunodeficiency 8. Identifiers: Orphanet 228003, MedGen C3809383, MONDO:0014168, OMIM 615401.

Submission:

Labcorp Genetics (formerly Invitae), Labcorp
Classification: Uncertain significance for Severe combined immunodeficiency due to CORO1A deficiency. Last evaluated: 2022-10-17. Review status: criteria provided, single submitter. Criteria: Invitae Variant Classification Sherloc (09022015). Collection method: clinical testing. Allele origin: germline.
Comment: Algorithms developed to predict the effect of sequence changes on RNA splicing suggest that this variant may create or strengthen a splice site. Advanced modeling of protein sequence and biophysical properties (such as structural, functional, and spatial information, amino acid conservation, physicochemical variation, residue mobility, and thermodynamic stability) performed at Invitae indicates that this missense variant is not expected to disrupt CORO1A protein function. This variant has not been reported in the literature in individuals affected with CORO1A-related conditions. This variant is not present in population databases (gnomAD no frequency). This sequence change replaces threonine, which is neutral and polar, with arginine, which is basic and polar, at codon 375 of the CORO1A protein (p.Thr375Arg). In summary, the available evidence is currently insufficient to determine the role of this variant in disease. Therefore, it has been classified as a Variant of Uncertain Significance.